The following is an entry in ClinVar:

ClinVar aggregate classification (germline): Uncertain significance. Review status: criteria provided, multiple submitters, no conflicts (2 of 4 stars). 2 submissions from 2 submitters: Uncertain significance (2). Last evaluated 2025-11-26.

Conditions:
Periodic fever-infantile enterocolitis-autoinflammatory syndrome. Also called: Autoinflammation with infantile enterocolitis. Identifiers: Orphanet 436166, MedGen C4015067, MONDO:0014472, OMIM 616050.
Familial cold autoinflammatory syndrome 4 (FCAS4). Identifiers: Orphanet 47045, Orphanet 576349, MedGen C4015276, MONDO:0014498, OMIM 616115.

gnomAD v4.1: 8 of 1,613,870 alleles (0.0005%); highest among the groups gnomAD compares: Non-Finnish European, 0.00068%; no homozygotes.

Submissions (2):

Women's Health and Genetics/Laboratory Corporation of America, LabCorp
Classification: Uncertain significance. Last evaluated: 2025-11-26. Review status: criteria provided, single submitter. Criteria: LabCorp Variant Classification Summary - May 2015. Collection method: clinical testing. Allele origin: germline.
Comment: Variant summary: NLRC4 c.2926G>T (p.Glu976X) results in a premature termination codon and is not predicted to result in absence of the protein due to nonsense mediated decay, but is expected to cause a truncation of the encoded protein; however current evidence is not sufficient to establish loss of function as a mechanism for disease. The variant allele was found at a frequency of 8e-06 in 250956 control chromosomes. The available data on variant occurrences in the general population are insufficient to allow any conclusion about variant significance. To our knowledge, no occurrence of c.2926G>T in individuals affected with NLRC4-related conditions and no experimental evidence demonstrating its impact on protein function have been reported. ClinVar contains an entry for this variant (Variation ID: 3761705). Based on the evidence outlined above, the variant was classified as uncertain significance.

Labcorp Genetics (formerly Invitae), Labcorp
Classification: Uncertain significance for Periodic fever-infantile enterocolitis-autoinflammatory syndrome; Familial cold autoinflammatory syndrome 4. Last evaluated: 2025-08-18. Review status: criteria provided, single submitter. Criteria: Invitae Variant Classification Sherloc (09022015). Collection method: clinical testing. Allele origin: germline.
Comment: This sequence change creates a premature translational stop signal (p.Glu976*) in the NLRC4 gene. While this is not anticipated to result in nonsense mediated decay, it is expected to disrupt the last 49 amino acid(s) of the NLRC4 protein. This variant is present in population databases (no rsID available, gnomAD 0.002%). This variant has not been reported in the literature in individuals affected with NLRC4-related conditions. ClinVar contains an entry for this variant (Variation ID: 3761705). Experimental studies and prediction algorithms are not available or were not evaluated, and the functional significance of this variant is currently unknown. In summary, the available evidence is currently insufficient to determine the role of this variant in disease. Therefore, it has been classified as a Variant of Uncertain Significance.

NM_001199138.2(NLRC4):c.2926G>T (p.Glu976Ter)

Gene: NLRC4 (NLR family CARD domain containing 4; minus strand). Cytogenetic location: 2p22.3.
Variant type: single nucleotide variant.
Coding change: c.2926G>T on transcript NM_001199138.2 (MANE Select); coding-DNA position 2926, G replaced by T.
Protein change: p.Glu976Ter; replaces glutamic acid 976 with a stop codon.
Molecular consequence: nonsense.
Genome position (GRCh38, 1-based): chr2:32,224,622, C>A on the plus strand (G>T on the coding strand, the complement: NLRC4 is on the minus strand). VCF-style: chr2-32224622-C-A. GRCh37 (hg19) VCF-style: chr2-32449691-C-A.
Other names: c.2926G>T, p.Glu976Ter (NM_001199139.2, NM_021209.5); c.931G>T, p.Glu311Ter (NM_001302504.2); short protein forms E311*, E976*.
Identifiers: ClinVar variation 3761705 (VCV003761705.3).